The following is an entry in ClinVar:

NM_000179.3(MSH6):c.4014G>C (p.Leu1338=)

Gene: MSH6 (mutS homolog 6; plus strand). Cytogenetic location: 2p16.3.
Variant type: single nucleotide variant.
Coding change: c.4014G>C on transcript NM_000179.3 (MANE Select); coding-DNA position 4014, G replaced by C.
Protein change: p.Leu1338=; no amino-acid change (leucine 1338 retained).
Molecular consequence: synonymous variant.
Genome position (GRCh38, 1-based): chr2:47,806,791, G>C. VCF-style: chr2-47806791-G-C. GRCh37 (hg19) VCF-style: chr2-48033930-G-C.
Other names: c.3624G>C, p.Leu1208= (NM_001281492.2); c.3108G>C, p.Leu1036= (NM_001281493.2, NM_001281494.2).
Identifiers: ClinVar variation 229701 (VCV000229701.23), dbSNP rs61748086, ClinGen allele CA10578175.

ClinVar aggregate classification (germline): Benign/Likely benign. Review status: criteria provided, multiple submitters, no conflicts (2 of 4 stars). 7 submissions from 7 submitters: Benign (1); Likely benign (5). 1 of the submissions does not count toward it. Last evaluated 2025-10-30.

Conditions:
MSH6-related disorder. Also called: MSH6-related condition; MSH6-Related disorders.
Hereditary nonpolyposis colorectal neoplasms. Identifiers: MedGen C0009405, MeSH D003123.
Hereditary cancer-predisposing syndrome. Also called: Hereditary neoplastic syndrome; Hereditary Cancer Syndrome; Neoplastic Syndromes, Hereditary; Tumor predisposition. Identifiers: Orphanet 140162, MedGen C0027672, MeSH D009386, MONDO:0015356.
Lynch syndrome. Identifiers: Orphanet 144, MedGen C4552100, MONDO:0005835. Disease mechanism: loss of function.
Lynch syndrome 5 (LYNCH5). Also called: Colorectal cancer, hereditary nonpolyposis, type 5; Hereditary non-polyposis colorectal cancer, type 5. Identifiers: Orphanet 144, MedGen C1833477, MONDO:0013710, OMIM 614350. Disease mechanism: loss of function.

Submissions (7):

Labcorp Genetics (formerly Invitae), Labcorp
Classification: Likely benign for Hereditary nonpolyposis colorectal neoplasms. Last evaluated: 2025-10-30. Review status: criteria provided, single submitter. Criteria: Invitae Variant Classification Sherloc (09022015). Collection method: clinical testing. Allele origin: germline.

Myriad Genetics, Inc.
Classification: Benign for Lynch syndrome 5. Last evaluated: 2025-01-09. Review status: criteria provided, single submitter. Criteria: Myriad Autosomal Dominant, Autosomal Recessive and X-Linked Classification Criteria (2023). Collection method: clinical testing. Allele origin: unknown.
Comment: This variant is considered benign. This variant is a silent/synonymous amino acid change and it is not expected to impact splicing.

All of Us Research Program, National Institutes of Health
Classification: Likely benign for Lynch syndrome. Last evaluated: 2023-09-18. Review status: criteria provided, single submitter. Criteria: ACMG Guidelines, 2015. Collection method: clinical testing. Allele origin: germline. Inheritance: Autosomal dominant inheritance. Observed: 1 variant allele, 1 heterozygote.
Comment: This study involves interpretation of variants in research participants for the purpose of population health screening. Participant phenotype was not available at the time of variant classification. Additional details can be found in publication PMID: 35346344, PMCID: PMC8962531

Department of Pathology and Laboratory Medicine, Sinai Health System
Classification: Likely benign for Lynch syndrome. Last evaluated: 2020-12-04. Review status: criteria provided, single submitter. Criteria: ACMG Guidelines, 2015. Collection method: clinical testing. Allele origin: germline. Affected: yes.

Color Diagnostics, LLC DBA Color Health
Classification: Likely benign for Hereditary cancer-predisposing syndrome. Last evaluated: 2017-06-19. Review status: criteria provided, single submitter. Criteria: ACMG Guidelines, 2015. Collection method: clinical testing. Allele origin: germline.

Ambry Genetics
Classification: Likely benign for Hereditary cancer-predisposing syndrome. Last evaluated: 2015-01-18. Review status: criteria provided, single submitter. Criteria: Ambry Variant Classification Scheme 2023. Collection method: clinical testing. Allele origin: germline.

PreventionGenetics, part of Exact Sciences
Classification: Likely benign for MSH6-related condition. Last evaluated: 2020-12-18. Review status: no assertion criteria provided. Collection method: clinical testing. Allele origin: germline. Not counted in ClinVar's aggregate classification.
Comment: This variant is classified as likely benign based on ACMG/AMP sequence variant interpretation guidelines (Richards et al. 2015 PMID: 25741868, with internal and published modifications).